The following is an entry in ClinVar:

ClinVar aggregate classification (germline): Uncertain significance. Review status: criteria provided, multiple submitters, no conflicts (2 of 4 stars). 3 submissions from 3 submitters: Uncertain significance (3). Last evaluated 2024-05-01.

Conditions:
Infantile liver failure syndrome 3. Identifiers: MedGen C5231437, MONDO:0032844, OMIM 618641.

Allele frequency attached by ClinVar (database versions not stated): ExAC 0.00001; gnomAD 0.00001; gnomAD exomes 0.00001; TOPMed 0.00001.
gnomAD v4.1: 8 of 1,614,008 alleles (0.0005%); highest among the groups gnomAD compares: Non-Finnish European, 0.00068%; no homozygotes.

Submissions (3):

Fulgent Genetics
Classification: Uncertain significance for Infantile liver failure syndrome 3. Last evaluated: 2024-05-01. Review status: criteria provided, single submitter. Criteria: ACMG Guidelines, 2015. Collection method: clinical testing. Allele origin: germline.

Ambry Genetics
Classification: Uncertain significance. Last evaluated: 2023-11-24. Review status: criteria provided, single submitter. Criteria: Ambry Variant Classification Scheme 2023. Collection method: clinical testing. Allele origin: germline.
Comment: The p.K619Q variant (also known as c.1855A>C), located in coding exon 12 of the RINT1 gene, results from an A to C substitution at nucleotide position 1855. The lysine at codon 619 is replaced by glutamine, an amino acid with similar properties. In one study, this alteration was detected in the germline of 1/216 patients with malignant pleural mesothelioma tumors (Bueno R et al. Nat Genet, 2016 Apr;48:407-16). This amino acid position is well conserved in available vertebrate species. In addition, this alteration is predicted to be tolerated by in silico analysis. Since supporting evidence is limited at this time, the clinical significance of this alteration remains unclear.

Labcorp Genetics (formerly Invitae), Labcorp
Classification: Uncertain significance. Last evaluated: 2023-03-24. Review status: criteria provided, single submitter. Criteria: Invitae Variant Classification Sherloc (09022015). Collection method: clinical testing. Allele origin: germline.
Comment: This sequence change replaces lysine, which is basic and polar, with glutamine, which is neutral and polar, at codon 619 of the RINT1 protein (p.Lys619Gln). This variant is present in population databases (rs774446801, gnomAD 0.002%). This variant has not been reported in the literature in individuals affected with RINT1-related conditions. ClinVar contains an entry for this variant (Variation ID: 663180). An algorithm developed to predict the effect of missense changes on protein structure and function (PolyPhen-2) suggests that this variant is likely to be disruptive. In summary, the available evidence is currently insufficient to determine the role of this variant in disease. Therefore, it has been classified as a Variant of Uncertain Significance.

Literature cited by the submitters: PubMed 26928227 (cited by Ambry Genetics).

NM_021930.6(RINT1):c.1855A>C (p.Lys619Gln)

Gene: RINT1 (RAD50 interactor 1; plus strand). Cytogenetic location: 7q22.3.
Variant type: single nucleotide variant.
Coding change: c.1855A>C on transcript NM_021930.6 (MANE Select); coding-DNA position 1855, A replaced by C.
Protein change: p.Lys619Gln; replaces lysine 619 with glutamine.
Molecular consequence: missense variant. On other transcripts: non-coding transcript variant (1).
Genome position (GRCh38, 1-based): chr7:105,563,916, A>C. VCF-style: chr7-105563916-A-C. GRCh37 (hg19) VCF-style: chr7-105204363-A-C.
Other names: c.1621A>C, p.Lys541Gln (NM_001346599.2); c.832A>C, p.Lys278Gln (NM_001346600.2, NM_001346603.2); c.931A>C, p.Lys311Gln (NM_001346601.2); short protein forms K278Q, K311Q, K619Q, K541Q.
Identifiers: ClinVar variation 663180 (VCV000663180.14), dbSNP rs774446801, ClinGen allele CA4426782.
Genomic context (GRCh38, chr7:105,563,916, plus strand): 5'-TTAGAACGTTTAAAGCATGATATGTTGACCCGTCAAGTAGACCACGTTTTTAGAGAAGTT[A>C]AAGATGCTGCAAAATTGTATAAAAAAGAAAGGTATGTCCTCTATGTAAGTCAGCTCTTAA-3'
Protein context (NP_068749.3, residues 609-629): RQVDHVFREV[Lys619Gln]DAAKLYKKER